The following is an entry in ClinVar:

NM_174878.3(CLRN1):c.31T>C (p.Cys11Arg)

Genes: CLRN1 (clarin 1; minus strand), CLRN1-AS1 (CLRN1 antisense RNA 1; plus strand). Cytogenetic location: 3q25.1.
Variant type: single nucleotide variant.
Coding change: c.31T>C on transcript NM_174878.3 (MANE Select); coding-DNA position 31, T replaced by C.
Protein change: p.Cys11Arg; replaces cysteine 11 with arginine.
Molecular consequence: missense variant. On other transcripts: non-coding transcript variant (2).
Genome position (GRCh38, 1-based): chr3:150,972,678, A>G on the plus strand (T>C on the coding strand, the complement: CLRN1 is on the minus strand). VCF-style: chr3-150972678-A-G. GRCh37 (hg19) VCF-style: chr3-150690465-A-G.
Other names: c.31T>C, p.Cys11Arg (NM_001195794.1, NM_001256819.2); short protein forms C11R.
Identifiers: ClinVar variation 1972207 (VCV001972207.5), dbSNP rs1715608200, ClinGen allele CA355012199.
Genomic context (GRCh38, chr3:150,972,678, plus strand): 5'-GTGTCCCCAAGGCTGTCACAACTCCGAGGGCACATGCAAAACTGAACACTCCGGCCATGC[A>G]AAAAATGATTTTCTTCTGTTGGCTTGGCATGATGAGAAACGGCTTCTGTGAGGGCGAGGT-3'
Protein context (NP_777367.1, residues 1-21): MPSQQKKIIF[Cys11Arg]MAGVFSFACA

ClinVar aggregate classification (germline): Uncertain significance (1 of 4 stars; one submission).

Allele frequency attached by ClinVar (database versions not stated): TOPMed below 0.00001.

Submission:

Labcorp Genetics (formerly Invitae), Labcorp
Classification: Uncertain significance. Last evaluated: 2022-09-13. Review status: criteria provided, single submitter. Criteria: Invitae Variant Classification Sherloc (09022015). Collection method: clinical testing. Allele origin: germline.
Comment: In summary, the available evidence is currently insufficient to determine the role of this variant in disease. Therefore, it has been classified as a Variant of Uncertain Significance. Algorithms developed to predict the effect of missense changes on protein structure and function are either unavailable or do not agree on the potential impact of this missense change (SIFT: "Deleterious"; PolyPhen-2: "Possibly Damaging"; Align-GVGD: "Class C0"). This variant has not been reported in the literature in individuals affected with CLRN1-related conditions. This variant is not present in population databases (gnomAD no frequency). This sequence change replaces cysteine, which is neutral and slightly polar, with arginine, which is basic and polar, at codon 11 of the CLRN1 protein (p.Cys11Arg).